The following is an entry in ClinVar:

NM_003611.3(OFD1):c.111+2T>G

Genes: OFD1 (OFD1 centriole and centriolar satellite protein; plus strand), LOC126863212 (CDK7 strongly-dependent group 2 enhancer GRCh37_chrX:13752241-13753440; plus strand). Cytogenetic location: Xp22.2.
Variant type: single nucleotide variant.
Coding change: c.111+2T>G on transcript NM_003611.3 (MANE Select); the canonical splice donor site of the intron after coding-DNA position 111, T replaced by G.
Molecular consequence: splice donor variant.
Genome position (GRCh38, 1-based): chrX:13,735,348, T>G. VCF-style: chrX-13735348-T-G. GRCh37 (hg19) VCF-style: chrX-13753467-T-G.
Other names: c.-435+2T>G (NM_001330210.2); c.111+2T>G (NM_001330209.2).
Identifiers: ClinVar variation 1068539 (VCV001068539.9), dbSNP rs312262809, ClinGen allele CA412331964.

ClinVar aggregate classification (germline): Pathogenic (1 of 4 stars; one submission).

Conditions:
Joubert syndrome. Also called: Familial aplasia of the vermis; CEREBELLOPARENCHYMAL DISORDER IV; JOUBERT-BOLTSHAUSER SYNDROME. Identifiers: Orphanet 475, MedGen C5979921, MONDO:0018772.
Orofaciodigital syndrome I (OFD1). Also called: Papillon-Leage and Psaume Syndrome; Oral-Facial-Digital Syndrome Type I; OFDS I. Identifiers: Orphanet 2750, MedGen C1510460, MONDO:0010702, OMIM 311200.

Submission:

Labcorp Genetics (formerly Invitae), Labcorp
Classification: Pathogenic for Orofaciodigital syndrome I; Joubert syndrome. Last evaluated: 2020-03-18. Review status: criteria provided, single submitter. Criteria: Invitae Variant Classification Sherloc (09022015). Collection method: clinical testing. Allele origin: germline.
Comment: This sequence change affects a donor splice site in intron 2 of the OFD1 gene. It is expected to disrupt RNA splicing and likely results in an absent or disrupted protein product. This variant is not present in population databases (ExAC no frequency). Disruption of this splice site has been observed in individual(s) with Oral-facial-digital syndrome (PMID: 18546297). In at least one individual the variant was observed to be de novo. Algorithms developed to predict the effect of sequence changes on RNA splicing suggest that this variant may disrupt the consensus splice site, but this prediction has not been confirmed by published transcriptional studies. Donor and acceptor splice site variants typically lead to a loss of protein function (PMID: 16199547), and loss-of-function variants in OFD1 are known to be pathogenic (PMID: 16783569, 18546297, 27081566). For these reasons, this variant has been classified as Pathogenic.

Literature cited by the submitters: PubMed 18546297; PubMed 16199547; PubMed 16783569; PubMed 27081566.